The following is an entry in ClinVar:

ClinVar aggregate classification (germline): Uncertain significance (1 of 4 stars; one submission).

Conditions:
Hereditary cancer-predisposing syndrome. Also called: Neoplastic Syndromes, Hereditary; Tumor predisposition; Hereditary Cancer Syndrome; Hereditary neoplastic syndrome. Identifiers: Orphanet 140162, MedGen C0027672, MeSH D009386, MONDO:0015356.

Allele frequency attached by ClinVar (database versions not stated): gnomAD exomes 0.00001.
gnomAD v4.1: 15 of 1,614,028 alleles (0.00093%); highest among the groups gnomAD compares: Non-Finnish European, 0.0013%; no homozygotes.

Submission:

Ambry Genetics
Classification: Uncertain significance for Hereditary cancer-predisposing syndrome. Last evaluated: 2024-05-17. Review status: criteria provided, single submitter. Criteria: Ambry Variant Classification Scheme 2023. Collection method: clinical testing. Allele origin: germline.
Comment: The p.A2501V variant (also known as c.7502C>T), located in coding exon 15 of the APC gene, results from a C to T substitution at nucleotide position 7502. The alanine at codon 2501 is replaced by valine, an amino acid with similar properties. This amino acid position is poorly conserved in available vertebrate species. In addition, in silico predictors for this gene do not accurately predict pathogenicity. Missense alterations in APC are not a common cause of disease (Spier I et al. Genet Med. 2024 Feb;26(2):100992). Based on the available evidence, the clinical significance of this variant remains unclear.

NM_000038.6(APC):c.7502C>T (p.Ala2501Val)

Gene: APC (APC regulator of Wnt signaling pathway; plus strand). Cytogenetic location: 5q22.2.
Variant type: single nucleotide variant.
Coding change: c.7502C>T on transcript NM_000038.6 (MANE Select); coding-DNA position 7502, C replaced by T.
Protein change: p.Ala2501Val; replaces alanine 2501 with valine.
Molecular consequence: missense variant.
Genome position (GRCh38, 1-based): chr5:112,843,096, C>T. VCF-style: chr5-112843096-C-T. GRCh37 (hg19) VCF-style: chr5-112178793-C-T.
Other names: c.7502C>T, p.Ala2501Val (NM_001127510.3, NM_001354895.2, NM_001407450.1); c.7448C>T, p.Ala2483Val (NM_001127511.3); c.7556C>T, p.Ala2519Val (NM_001354896.2, NM_001407447.1, NM_001407448.1 and 1 more transcripts); c.7532C>T, p.Ala2511Val (NM_001354897.2); c.7427C>T, p.Ala2476Val (NM_001354898.2); c.7418C>T, p.Ala2473Val (NM_001354899.2); c.7379C>T, p.Ala2460Val (NM_001354900.2); c.7325C>T, p.Ala2442Val (NM_001354901.2, NM_001407453.1); and 11 more; short protein forms A2372V, A2400V, A2494V, A2519V, A2410V, A2442V, A2460V, A2476V.
Identifiers: ClinVar variation 1759224 (VCV001759224.3), dbSNP rs2149988496, ClinGen allele CA16037648.
Genomic context (GRCh38, chr5:112,843,096, plus strand): 5'-CTCCAGTTTTAAGTCCTTCCCTTCCTGATATGTCTCTATCCACACATTCGTCTGTTCAGG[C>T]TGGTGGATGGCGAAAACTCCCACCTAATCTCAGTCCCACTATAGAGTATAATGATGGAAG-3'
Protein context (NP_000029.2, residues 2491-2511): MSLSTHSSVQ[Ala2501Val]GGWRKLPPNL